The following is an entry in ClinVar:

ClinVar aggregate classification (germline): Pathogenic/Likely pathogenic. Review status: criteria provided, multiple submitters, no conflicts (2 of 4 stars). 2 submissions from 2 submitters: Pathogenic (1); Likely pathogenic (1). Last evaluated 2025-11-27.

Conditions:
Arthrogryposis multiplex congenita 6. Identifiers: MedGen C5543431, MONDO:0030281, OMIM 619334.
Nemaline myopathy 2 (NEM2). Also called: Nemaline myopathy 2, autosomal recessive. Identifiers: MedGen C1850569, MONDO:0009725, OMIM 256030.

Submissions (2):

Myriad Genetics, Inc.
Classification: Pathogenic for Nemaline myopathy 2. Last evaluated: 2025-11-27. Review status: criteria provided, single submitter. Criteria: Myriad Autosomal Dominant, Autosomal Recessive and X-Linked Classification Criteria (2023). Collection method: clinical testing. Allele origin: unknown.
Comment: NM_001271208.1(NEB):c.20929A>T(K6977*) is expected to be pathogenic in the context of NEB-related nemaline myopathy. This variant is predicted to lead to an abnormal or absent protein product due to the creation of a premature termination codon in NEB, a gene where loss-of-function variants are known to be pathogenic. Please note: this variant was assessed in the context of healthy population screening.

Baylor Genetics
Classification: Likely pathogenic for Arthrogryposis multiplex congenita 6. Last evaluated: 2024-03-13. Review status: criteria provided, single submitter. Criteria: ACMG Guidelines, 2015. Collection method: clinical testing. Allele origin: unknown.

NM_001164508.2(NEB):c.20929A>T (p.Lys6977Ter)

Gene: NEB (nebulin; minus strand). Cytogenetic location: 2q23.3.
Variant type: single nucleotide variant.
Coding change: c.20929A>T on transcript NM_001164508.2 (MANE Select); coding-DNA position 20929, A replaced by T.
Protein change: p.Lys6977Ter; replaces lysine 6977 with a stop codon.
Molecular consequence: nonsense.
Genome position (GRCh38, 1-based): chr2:151,538,208, T>A on the plus strand (A>T on the coding strand, the complement: NEB is on the minus strand). VCF-style: chr2-151538208-T-A. GRCh37 (hg19) VCF-style: chr2-152394722-T-A.
Other names: c.20929A>T, p.Lys6977Ter (NM_001164507.2, NM_001271208.2); c.15826A>T, p.Lys5276Ter (NM_004543.5); short protein forms K5276*, K6977*.
Identifiers: ClinVar variation 3239861 (VCV003239861.2), dbSNP rs2552151159.